The following is an entry in ClinVar:

ClinVar aggregate classification (germline): Pathogenic (1 of 4 stars; one submission).

Conditions:
PKD1-Biallelic Autosomal Recessive Polycystic Kidney Disease.

Submission:

Women's Health and Genetics/Laboratory Corporation of America, LabCorp
Classification: Pathogenic for PKD1-Biallelic Autosomal Recessive Polycystic Kidney Disease. Last evaluated: 2025-10-08. Review status: criteria provided, single submitter. Criteria: LabCorp Variant Classification Summary - May 2015. Collection method: clinical testing. Allele origin: germline.
Comment: Variant summary: The variant involves the deletion of exons 40-46 in the PKD1 gene. A presumed nomenclature of c.(11269+1_11270-1)_(*1020_?)del has been designated for the purposes of this classification. The exact breakpoint at the distal 3' end of this variant is unknown, therefore this deletion may extend downstream of the annotated region of the gene. As it encompasses the termination codon, it is predicted to escape nonsense mediated decay (NMD). Loss-of-function variants in this gene are known to be pathogenic. The variant was absent in 21684 control chromosomes. To our knowledge, no occurrence of c.(11269+1_11270-1)_(*1020_?)del in individuals affected with PKD1-related conditions and no experimental evidence demonstrating its impact on protein function have been reported. No submitters have cited clinical-significance assessments for this variant to ClinVar. Based on the evidence outlined above, the variant was classified as pathogenic.

NC_000016.9:g.(?_2138708)_(2142190_2142480)del

Genes: MIR1225 (microRNA 1225; minus strand), PKD1 (polycystin 1, transient receptor potential channel interacting; minus strand), TSC2 (TSC complex subunit 2; plus strand). Cytogenetic location: 16p13.3.
Variant type: Deletion.
Identifiers: ClinVar variation 4687465 (VCV004687465.1).